The following is an entry in ClinVar:

NM_020693.4(DSCAML1):c.1765G>A (p.Val589Ile)

Gene: DSCAML1 (DS cell adhesion molecule like 1; minus strand). Cytogenetic location: 11q23.3.
Variant type: single nucleotide variant.
Coding change: c.1765G>A on transcript NM_020693.4 (MANE Select); coding-DNA position 1765, G replaced by A.
Protein change: p.Val589Ile; replaces valine 589 with isoleucine.
Molecular consequence: missense variant.
Genome position (GRCh38, 1-based): chr11:117,516,485, C>T on the plus strand (G>A on the coding strand, the complement: DSCAML1 is on the minus strand). VCF-style: chr11-117516485-C-T. GRCh37 (hg19) VCF-style: chr11-117387200-C-T.
Other names: c.1765G>A, p.Val589Ile (NM_001367904.1); short protein forms V589I.
Identifiers: ClinVar variation 1986920 (VCV001986920.5), dbSNP rs752912901, ClinGen allele CA6297194.

ClinVar aggregate classification (germline): Uncertain significance. Review status: criteria provided, multiple submitters, no conflicts (2 of 4 stars). 2 submissions from 2 submitters: Uncertain significance (2). Last evaluated 2023-07-25.

Allele frequency attached by ClinVar (database versions not stated): ExAC 0.00001; gnomAD 0.00002; gnomAD exomes 0.00003; TOPMed 0.00004.
gnomAD v4.1: 43 of 1,613,444 alleles (0.0027%); highest among the groups gnomAD compares: Admixed American, 0.0083%; no homozygotes.

Submissions (2):

Labcorp Genetics (formerly Invitae), Labcorp
Classification: Uncertain significance. Last evaluated: 2023-07-25. Review status: criteria provided, single submitter. Criteria: Invitae Variant Classification Sherloc (09022015). Collection method: clinical testing. Allele origin: germline.
Comment: ClinVar contains an entry for this variant (Variation ID: 1986920). In summary, the available evidence is currently insufficient to determine the role of this variant in disease. Therefore, it has been classified as a Variant of Uncertain Significance. An algorithm developed to predict the effect of missense changes on protein structure and function (PolyPhen-2) suggests that this variant is likely to be tolerated. This variant has not been reported in the literature in individuals affected with DSCAML1-related conditions. This variant is present in population databases (rs752912901, gnomAD 0.01%). This sequence change replaces valine, which is neutral and non-polar, with isoleucine, which is neutral and non-polar, at codon 649 of the DSCAML1 protein (p.Val649Ile).

Ambry Genetics
Classification: Uncertain significance. Last evaluated: 2022-10-03. Review status: criteria provided, single submitter. Criteria: Ambry Variant Classification Scheme 2023. Collection method: clinical testing. Allele origin: germline.